The following is an entry in ClinVar:

ClinVar aggregate classification (germline): Uncertain significance (1 of 4 stars; one submission).

Conditions:
Tuberous sclerosis 2 (TSC2). Identifiers: Orphanet 805, MedGen C1860707, MONDO:0013199, OMIM 613254.

Submission:

Labcorp Genetics (formerly Invitae), Labcorp
Classification: Uncertain significance for Tuberous sclerosis 2. Last evaluated: 2021-07-13. Review status: criteria provided, single submitter. Criteria: Invitae Variant Classification Sherloc (09022015). Collection method: clinical testing. Allele origin: germline.
Comment: In summary, the available evidence is currently insufficient to determine the role of this variant in disease. Therefore, it has been classified as a Variant of Uncertain Significance. This sequence change replaces arginine with threonine at codon 653 of the TSC2 protein (p.Arg653Thr). The arginine residue is highly conserved and there is a moderate physicochemical difference between arginine and threonine. This variant is not present in population databases (ExAC no frequency). This variant has not been reported in the literature in individuals with TSC2-related conditions. Algorithms developed to predict the effect of missense changes on protein structure and function are either unavailable or do not agree on the potential impact of this missense change (SIFT: "Deleterious"; PolyPhen-2: "Possibly Damaging"; Align-GVGD: "Class C0").

NM_000548.5(TSC2):c.1958G>C (p.Arg653Thr)

Gene: TSC2 (TSC complex subunit 2; plus strand). Cytogenetic location: 16p13.3.
Variant type: single nucleotide variant.
Coding change: c.1958G>C on transcript NM_000548.5 (MANE Select); coding-DNA position 1958, G replaced by C.
Protein change: p.Arg653Thr; replaces arginine 653 with threonine.
Molecular consequence: missense variant.
Genome position (GRCh38, 1-based): chr16:2,071,795, G>C. VCF-style: chr16-2071795-G-C. GRCh37 (hg19) VCF-style: chr16-2121796-G-C.
Other names: c.1958G>C, p.Arg653Thr (NM_001077183.3, NM_001114382.3, NM_001363528.2 and 3 more transcripts); c.1847G>C, p.Arg616Thr (NM_001318827.2); c.1811G>C, p.Arg604Thr (NM_001318829.2); c.1358G>C, p.Arg453Thr (NM_001318831.2); c.1991G>C, p.Arg664Thr (NM_001318832.2); short protein forms R604T, R664T, R453T, R653T, R616T.
Identifiers: ClinVar variation 956143 (VCV000956143.9), dbSNP rs876658202, ClinGen allele CA394273602.